The following is an entry in ClinVar:

NM_001035.3(RYR2):c.14172G>C (p.Trp4724Cys)

Gene: RYR2 (ryanodine receptor 2; plus strand). Cytogenetic location: 1q43.
Variant type: single nucleotide variant.
Coding change: c.14172G>C on transcript NM_001035.3 (MANE Select); coding-DNA position 14172, G replaced by C.
Protein change: p.Trp4724Cys; replaces tryptophan 4724 with cysteine.
Molecular consequence: missense variant.
Genome position (GRCh38, 1-based): chr1:237,806,157, G>C. VCF-style: chr1-237806157-G-C. GRCh37 (hg19) VCF-style: chr1-237969457-G-C.
Other names: c.14172G>C, p.Trp4724Cys (LRG_402t1); short protein forms W4724C.
Identifiers: ClinVar variation 222797 (VCV000222797.6), dbSNP rs780752317, ClinGen allele CA085609.
Genomic context (GRCh38, chr1:237,806,157, plus strand): 5'-GTTTTCTGACATGTTCTTTCCCCCCGTTTTGTCTTAATAGTCCTTCCTCTACCTAGCCTG[G>C]TATATGACTATGTCTGTTCTTGGACACTATAACAACTTTTTTTTTGCCGCTCACCTTCTC-3'
Protein context (NP_001026.2, residues 4714-4734): FTDNSFLYLA[Trp4724Cys]YMTMSVLGHY

ClinVar aggregate classification (germline): Uncertain significance. Review status: criteria provided, multiple submitters, no conflicts (2 of 4 stars). 4 submissions from 4 submitters: Uncertain significance (4). Last evaluated 2025-03-23.

Conditions:
Cardiomyopathy (CMYO). Also called: Cardiomyopathies. Identifiers: Orphanet 167848, MedGen C0878544, MONDO:0004994, HP:0001638. Inheritance: Various modes of inheritance.
Catecholaminergic polymorphic ventricular tachycardia 1. Also called: RYR2-Related Catecholaminergic Polymorphic Ventricular Tachycardia; VENTRICULAR TACHYCARDIA, STRESS-INDUCED POLYMORPHIC 1; VENTRICULAR TACHYCARDIA, CATECHOLAMINERGIC POLYMORPHIC, 1, WITH OR WITHOUT ATRIAL DYSFUNCTION AND/OR DILATED CARDIOMYOPATHY. Identifiers: Orphanet 3286, MedGen C1631597, MONDO:0011484, OMIM 604772.

Allele frequency attached by ClinVar (database versions not stated): ExAC 0.00001; gnomAD exomes 0.00001.
gnomAD v4.1: 16 of 1,613,420 alleles (0.00099%); highest among the groups gnomAD compares: Middle Eastern, 0.017%; no homozygotes.

Submissions (4):

GeneDx
Classification: Uncertain significance. Last evaluated: 2025-03-23. Review status: criteria provided, single submitter. Criteria: GeneDx Variant Classification Process June 2021. Collection method: clinical testing. Allele origin: germline. Affected: yes.
Comment: In silico analysis supports that this missense variant has a deleterious effect on protein structure/function; Has not been previously published as pathogenic or benign to our knowledge; Located in one of the three hot-spot regions of the RYR2 gene, where the majority of pathogenic missense variants occur (PMID: 19926015); This variant is associated with the following publications: (PMID: 19926015)

Labcorp Genetics (formerly Invitae), Labcorp
Classification: Uncertain significance for Catecholaminergic polymorphic ventricular tachycardia 1. Last evaluated: 2025-03-17. Review status: criteria provided, single submitter. Criteria: Invitae Variant Classification Sherloc (09022015). Collection method: clinical testing. Allele origin: germline.
Comment: This sequence change replaces tryptophan, which is neutral and slightly polar, with cysteine, which is neutral and slightly polar, at codon 4724 of the RYR2 protein (p.Trp4724Cys). This variant is present in population databases (rs780752317, gnomAD 0.01%). This variant has not been reported in the literature in individuals affected with RYR2-related conditions. ClinVar contains an entry for this variant (Variation ID: 222797). Invitae Evidence Modeling of protein sequence and biophysical properties (such as structural, functional, and spatial information, amino acid conservation, physicochemical variation, residue mobility, and thermodynamic stability) has been performed for this missense variant. However, the output from this modeling did not meet the statistical confidence thresholds required to predict the impact of this variant on RYR2 protein function. In summary, the available evidence is currently insufficient to determine the role of this variant in disease. Therefore, it has been classified as a Variant of Uncertain Significance.

Blueprint Genetics
Classification: Uncertain significance. Last evaluated: 2024-11-07. Review status: criteria provided, single submitter. Criteria: ACMG Guidelines, 2015. Collection method: clinical testing. Allele origin: germline.

CHEO Genetics Diagnostic Laboratory, Children's Hospital of Eastern Ontario
Classification: Uncertain significance for Cardiomyopathy. Last evaluated: 2021-08-11. Review status: criteria provided, single submitter. Criteria: ACMG Guidelines, 2015. Collection method: clinical testing. Allele origin: germline.